The following is an entry in ClinVar:

ClinVar aggregate classification (germline): Uncertain significance (1 of 4 stars; one submission).

Submission:

GeneDx
Classification: Uncertain significance. Last evaluated: 2025-07-25. Review status: criteria provided, single submitter. Criteria: GeneDx Variant Classification Process June 2021. Collection method: clinical testing. Allele origin: germline. Affected: yes.
Comment: Not observed at significant frequency in large population cohorts (gnomAD); In silico analysis supports that this missense variant has a deleterious effect on protein structure/function; Has not been previously published as pathogenic or benign to our knowledge

NM_152296.5(ATP1A3):c.1171G>A (p.Asp391Asn)

Gene: ATP1A3 (ATPase Na+/K+ transporting subunit alpha 3; minus strand). Cytogenetic location: 19q13.2.
Variant type: single nucleotide variant.
Coding change: c.1171G>A on transcript NM_152296.5 (MANE Select); coding-DNA position 1171, G replaced by A.
Protein change: p.Asp391Asn; replaces aspartic acid 391 with asparagine.
Molecular consequence: missense variant.
Genome position (GRCh38, 1-based): chr19:41,981,929, C>T on the plus strand (G>A on the coding strand, the complement: ATP1A3 is on the minus strand). VCF-style: chr19-41981929-C-T. GRCh37 (hg19) VCF-style: chr19-42486081-C-T.
Other names: c.1204G>A, p.Asp402Asn (NM_001256213.2); c.1210G>A, p.Asp404Asn (NM_001256214.2); short protein forms D391N, D402N, D404N.
Identifiers: ClinVar variation 4689942 (VCV004689942.1).
Genomic context (GRCh38, chr19:41,981,929, plus strand): 5'-GCCAGGCCCCCATGGTCCTCACCCGGGGCCTGCGCTCACCTGACTGGTCCTCAGTGGTGT[C>T]AGCCTCGTGGATCTGGTTGTCAAACCACATGTGGGCGACTGTCATGCGGTTCTGAGTGAG-3'
Protein context (NP_689509.1, residues 381-401): MWFDNQIHEA[Asp391Asn]TTEDQSGTSF